The following is an entry in ClinVar:

ClinVar aggregate classification (germline): Uncertain significance (1 of 4 stars; one submission).

Conditions:
Hereditary cancer-predisposing syndrome. Also called: Neoplastic Syndromes, Hereditary; Tumor predisposition; Hereditary neoplastic syndrome; Hereditary Cancer Syndrome. Identifiers: Orphanet 140162, MedGen C0027672, MeSH D009386, MONDO:0015356.

Submission:

Ambry Genetics
Classification: Uncertain significance for Hereditary cancer-predisposing syndrome. Last evaluated: 2024-06-21. Review status: criteria provided, single submitter. Criteria: Ambry Variant Classification Scheme 2023. Collection method: clinical testing. Allele origin: germline.
Comment: The p.T2215I variant (also known as c.6644C>T), located in coding exon 47 of the POLE gene, results from a C to T substitution at nucleotide position 6644. The threonine at codon 2215 is replaced by isoleucine, an amino acid with similar properties. This amino acid position is conserved. In addition, this alteration is predicted to be tolerated by in silico analysis. Based on the available evidence, the clinical significance of this variant remains unclear.

NM_006231.4(POLE):c.6644C>T (p.Thr2215Ile)

Gene: POLE (DNA polymerase epsilon, catalytic subunit; minus strand). Cytogenetic location: 12q24.33.
Variant type: single nucleotide variant.
Coding change: c.6644C>T on transcript NM_006231.4 (MANE Select); coding-DNA position 6644, C replaced by T.
Protein change: p.Thr2215Ile; replaces threonine 2215 with isoleucine.
Molecular consequence: missense variant.
Genome position (GRCh38, 1-based): chr12:132,625,658, G>A on the plus strand (C>T on the coding strand, the complement: POLE is on the minus strand). VCF-style: chr12-132625658-G-A. GRCh37 (hg19) VCF-style: chr12-133202244-G-A.
Other names: short protein forms T2215I.
Identifiers: ClinVar variation 3308446 (VCV003308446.1).